The following is an entry in ClinVar:

NM_000540.3(RYR1):c.10745G>A (p.Arg3582His)

Gene: RYR1 (ryanodine receptor 1; plus strand). Cytogenetic location: 19q13.2.
Variant type: single nucleotide variant.
Coding change: c.10745G>A on transcript NM_000540.3 (MANE Select); coding-DNA position 10745, G replaced by A.
Protein change: p.Arg3582His; replaces arginine 3582 with histidine.
Molecular consequence: missense variant.
Genome position (GRCh38, 1-based): chr19:38,527,705, G>A. VCF-style: chr19-38527705-G-A. GRCh37 (hg19) VCF-style: chr19-39018345-G-A.
Other names: c.10730G>A, p.Arg3577His (NM_001042723.2); short protein forms R3577H, R3582H.
Identifiers: ClinVar variation 3072848 (VCV003072848.1), dbSNP rs142491855, ClinGen allele CA054598.

ClinVar aggregate classification (germline): Uncertain significance (1 of 4 stars; one submission).

Conditions:
Malignant hyperthermia, susceptibility to, 1 (MHS1). Also called: Anesthesia related hyperthermia; Malignant hyperpyrexia; Fulminating hyperpyrexia; Pharmacogenic myopathy; RYR1-Related Malignant Hyperthermia Susceptibility; Malignant hyperthermia suceptibility 1. Identifiers: Orphanet 423, MedGen C2930980, MONDO:0007783, OMIM 145600.

Allele frequency attached by ClinVar (database versions not stated): ESP Exome Variant Server 0.00008.
gnomAD v4.1: 2 of 1,614,132 alleles (0.00012%); no homozygotes.

Submission:

All of Us Research Program, National Institutes of Health
Classification: Uncertain significance for Malignant hyperthermia, susceptibility to, 1. Last evaluated: 2023-08-15. Review status: criteria provided, single submitter. Criteria: ACMG Guidelines, 2015. Collection method: clinical testing. Allele origin: germline. Inheritance: Autosomal dominant inheritance. Observed: 1 variant allele, 1 heterozygote.
Comment: This study involves interpretation of variants in research participants for the purpose of population health screening. Participant phenotype was not available at the time of variant classification. Additional details can be found in publication PMID: 35346344, PMCID: PMC8962531